The following is an entry in ClinVar:

NM_001868.4(CPA1):c.1054A>C (p.Ser352Arg)

Gene: CPA1 (carboxypeptidase A1; plus strand). Cytogenetic location: 7q32.2.
Variant type: single nucleotide variant.
Coding change: c.1054A>C on transcript NM_001868.4 (MANE Select); coding-DNA position 1054, A replaced by C.
Protein change: p.Ser352Arg; replaces serine 352 with arginine.
Molecular consequence: missense variant.
Genome position (GRCh38, 1-based): chr7:130,385,905, A>C. VCF-style: chr7-130385905-A-C. GRCh37 (hg19) VCF-style: chr7-130025746-A-C.
Other names: short protein forms S352R.
Identifiers: ClinVar variation 1778032 (VCV001778032.2), dbSNP rs2536013246, ClinGen allele CA369284110.

ClinVar aggregate classification (germline): Uncertain significance (1 of 4 stars; one submission).

Conditions:
Hereditary pancreatitis (PCTT). Also called: Hereditary chronic pancreatitis; PRSS1-Related Hereditary Pancreatitis. Identifiers: Orphanet 676, MedGen C0238339, MONDO:0008185, OMIM 167800.

Submission:

Ambry Genetics
Classification: Uncertain significance for Hereditary pancreatitis. Last evaluated: 2021-07-24. Review status: criteria provided, single submitter. Criteria: Ambry Variant Classification Scheme 2023. Collection method: clinical testing. Allele origin: germline.
Comment: The p.S352R variant (also known as c.1054A>C), located in coding exon 9 of the CPA1 gene, results from an A to C substitution at nucleotide position 1054. The serine at codon 352 is replaced by arginine, an amino acid with dissimilar properties. This amino acid position is conserved. In addition, the in silico prediction for this alteration is inconclusive. Since supporting evidence is limited at this time, the clinical significance of this alteration remains unclear.